The following is an entry in ClinVar:

NM_001080517.3(SETD5):c.3742C>T (p.Arg1248Trp)

Gene: SETD5 (SET domain containing 5; plus strand). Cytogenetic location: 3p25.3.
Variant type: single nucleotide variant.
Coding change: c.3742C>T on transcript NM_001080517.3 (MANE Select); coding-DNA position 3742, C replaced by T.
Protein change: p.Arg1248Trp; replaces arginine 1248 with tryptophan.
Molecular consequence: missense variant.
Genome position (GRCh38, 1-based): chr3:9,475,504, C>T. VCF-style: chr3-9475504-C-T. GRCh37 (hg19) VCF-style: chr3-9517188-C-T.
Other names: c.3448C>T, p.Arg1150Trp (NM_001292043.2, NM_001349451.2); c.3742C>T (NM_001080517.1); short protein forms R1150W, R1248W.
Identifiers: ClinVar variation 1805293 (VCV001805293.7), dbSNP rs1402788547, ClinGen allele CA351690711.

ClinVar aggregate classification (germline): Uncertain significance. Review status: criteria provided, multiple submitters, no conflicts (2 of 4 stars). 3 submissions from 3 submitters: Uncertain significance (3). Last evaluated 2024-10-28.

Conditions:
Intellectual disability-facial dysmorphism syndrome due to SETD5 haploinsufficiency (MRD23). Also called: Intellectual developmental disorder, autosomal dominant 23. Identifiers: Orphanet 404440, MedGen C3810406, MONDO:0014336, OMIM 615761.

Allele frequency attached by ClinVar (database versions not stated): gnomAD exomes below 0.00001; TOPMed below 0.00001.
gnomAD v4.1: 4 of 1,613,366 alleles (0.00025%); highest among the groups gnomAD compares: Non-Finnish European, 0.00025%; no homozygotes.

Submissions (3):

Labcorp Genetics (formerly Invitae), Labcorp
Classification: Uncertain significance. Last evaluated: 2024-10-28. Review status: criteria provided, single submitter. Criteria: Invitae Variant Classification Sherloc (09022015). Collection method: clinical testing. Allele origin: germline.
Comment: This sequence change replaces arginine, which is basic and polar, with tryptophan, which is neutral and slightly polar, at codon 1248 of the SETD5 protein (p.Arg1248Trp). This variant is not present in population databases (gnomAD no frequency). This variant has not been reported in the literature in individuals affected with SETD5-related conditions. ClinVar contains an entry for this variant (Variation ID: 1805293). Invitae Evidence Modeling of protein sequence and biophysical properties (such as structural, functional, and spatial information, amino acid conservation, physicochemical variation, residue mobility, and thermodynamic stability) indicates that this missense variant is not expected to disrupt SETD5 protein function with a negative predictive value of 80%. In summary, the available evidence is currently insufficient to determine the role of this variant in disease. Therefore, it has been classified as a Variant of Uncertain Significance.

GeneDx
Classification: Uncertain significance. Last evaluated: 2023-08-23. Review status: criteria provided, single submitter. Criteria: GeneDx Variant Classification Process June 2021. Collection method: clinical testing. Allele origin: germline. Affected: yes.
Comment: Not observed in large population cohorts (gnomAD); In silico analysis supports that this missense variant does not alter protein structure/function; Has not been previously published as pathogenic or benign to our knowledge

Victorian Clinical Genetics Services, Murdoch Childrens Research Institute
Classification: Uncertain significance for Intellectual disability-facial dysmorphism syndrome due to SETD5 haploinsufficiency. Last evaluated: 2020-05-25. Review status: criteria provided, single submitter. Criteria: ACMG Guidelines, 2015. Collection method: clinical testing. Allele origin: germline. Inheritance: Autosomal dominant inheritance. Affected: yes.
Comment: Based on the classification scheme VCGS_Germline_v1.1.1, this variant is classified as 3B-VUS. Following criteria are met: 0102 - Loss-of-function is a known mechanism of disease for this gene. (N) 0107 - This gene is known to be associated with autosomal dominant disease. (N) 0200 - Variant is predicted to result in a missense amino acid change from an arginine to a tryptophan (exon 23). (N) 0251 - Variant is heterozygous. (N) 0301 - Variant is absent from gnomAD. (P) 0309 - Two alternative amino acid changes at the same position to leucine (2 heterozygotes, 0 homozygotes) and glutamine (1 heterozygote, 0 homozygotes) have been observed in gnomAD. (N) 0502 - Missense variant with conflicting in-silico predictions and/or uninformative conservation. (N) 0604 - Variant is not located in an established domain, motif, hotspot or informative constraint region. (N) 0705 - No comparable variants have previous evidence for pathogenicity. (N) 0807 - Variant has not previously been reported in a clinical context. (N) 0905 - No segregation evidence has been identified for this variant. (N) 1007 - No published functional evidence has been identified for this variant. (N) 1208 - Inheritance information for this variant is not currently available. (N) Legend: (P) - Pathogenic, (N) - Neutral, (B) - Benign